The following is an entry in ClinVar:

ClinVar aggregate classification (germline): Uncertain significance (1 of 4 stars; one submission).

gnomAD v4.1: 2 of 1,542,688 alleles (0.00013%); highest among the groups gnomAD compares: Non-Finnish European, 0.00018%; no homozygotes.

Submission:

Women's Health and Genetics/Laboratory Corporation of America, LabCorp
Classification: Uncertain significance. Last evaluated: 2026-06-29. Review status: criteria provided, single submitter. Criteria: LabCorp Variant Classification Summary - May 2015. Collection method: clinical testing. Allele origin: germline.
Comment: Variant summary: ZNF469 c.2185G>A (p.Val729Met) results in a conservative amino acid change in the encoded protein sequence. Algorithms developed to predict the effect of missense changes on protein structure and function are either unavailable or do not agree on the potential impact of this missense change. The variant allele was found at a frequency of 7e-06 in 143490 control chromosomes. The available data on variant occurrences in the general population are insufficient to allow any conclusion about variant significance. To our knowledge, no occurrence of c.2185G>A in individuals affected with ZNF469-related conditions and no experimental evidence demonstrating its impact on protein function have been reported. No submitters have cited clinical-significance assessments for this variant to ClinVar. Based on the evidence outlined above, the variant was classified as uncertain significance.

NM_001367624.2(ZNF469):c.2185G>A (p.Val729Met)

Gene: ZNF469 (zinc finger protein 469; plus strand). Cytogenetic location: 16q24.2.
Variant type: single nucleotide variant.
Coding change: c.2185G>A on transcript NM_001367624.2 (MANE Select); coding-DNA position 2185, G replaced by A.
Protein change: p.Val729Met; replaces valine 729 with methionine.
Molecular consequence: missense variant.
Genome position (GRCh38, 1-based): chr16:88,429,655, G>A. VCF-style: chr16-88429655-G-A. GRCh37 (hg19) VCF-style: chr16-88496063-G-A.
Other names: short protein forms V729M.
Identifiers: ClinVar variation 4887499 (VCV004887499.1).